The following is an entry in ClinVar:

ClinVar aggregate classification (germline): Likely pathogenic (1 of 4 stars; one submission).

Conditions:
Mitochondrial DNA depletion syndrome 1. Also called: POLIP SYNDROME; POLYNEUROPATHY, OPHTHALMOPLEGIA, LEUKOENCEPHALOPATHY, AND INTESTINAL PSEUDOOBSTRUCTION; Mitochondrial DNA Depletion Syndrome, MNGIE Form; Mitochondrial neurogastrointestinal encephalomyopathy syndrome; Mitochondrial Neurogastrointestinal Encephalopathy Disease; MITOCHONDRIAL NEUROGASTROINTESTINAL ENCEPHALOPATHY SYNDROME, TYMP-RELATED. Identifiers: Orphanet 298, MedGen C4551995, MONDO:0011283, OMIM 603041.

Submission:

Neuberg Centre For Genomic Medicine, NCGM
Classification: Likely pathogenic for Mitochondrial DNA depletion syndrome 1. Last evaluated: 2023-05-20. Review status: criteria provided, single submitter. Criteria: ACMG Guidelines, 2015. Collection method: clinical testing. Allele origin: germline. Inheritance: Autosomal recessive inheritance. Affected: yes.
Comment: The observed stop gained variant c.454G>T (p.Gly152Ter) in TYMP gene has not been reported previously as a pathogenic variant nor as a benign variant, to our knowledge. The p.Gly152Ter variant is absent in gnomAD Exomes. This variant has not been submitted to the ClinVar database. The nucleotide change c.454G>T in TYMP is predicted as conserved by GERP++ and PhyloP across 100 vertebrates. This variant is predicted to cause loss of normal protein function through protein truncation. Loss of function variants have been previously reported to be disease causing. 1. Computational evidence (MutationTaster - Disease causing) predicts damaging effect on protein structure and function for this variant. For these reasons, this variant has been classified as Likely Pathogenic.

NM_001953.5(TYMP):c.454G>T (p.Gly152Ter)

Gene: TYMP (thymidine phosphorylase; minus strand). Cytogenetic location: 22q13.33.
Variant type: single nucleotide variant.
Coding change: c.454G>T on transcript NM_001953.5 (MANE Select); coding-DNA position 454, G replaced by T.
Protein change: p.Gly152Ter; replaces glycine 152 with a stop codon.
Molecular consequence: nonsense.
Genome position (GRCh38, 1-based): chr22:50,528,574, C>A on the plus strand (G>T on the coding strand, the complement: TYMP is on the minus strand). VCF-style: chr22-50528574-C-A. GRCh37 (hg19) VCF-style: chr22-50967003-C-A.
Other names: c.454G>T, p.Gly152Ter (NM_001113755.3, NM_001113756.3, NM_001257988.1 and 1 more transcripts); short protein forms G152*.
Identifiers: ClinVar variation 3341465 (VCV003341465.1).